The following is an entry in ClinVar:

ClinVar aggregate classification (germline): Uncertain significance. Review status: criteria provided, multiple submitters, no conflicts (2 of 4 stars). 2 submissions from 2 submitters: Uncertain significance (2). Last evaluated 2025-08-21.

Conditions:
Inborn genetic diseases. Identifiers: MedGen C0950123, MeSH D030342.

Allele frequency attached by ClinVar (database versions not stated): TOPMed 0.00009; gnomAD 0.00018.
gnomAD v4.1: 37 of 1,613,994 alleles (0.0023%); highest among the groups gnomAD compares: Admixed American, 0.06%; no homozygotes.

Submissions (2):

Ambry Genetics
Classification: Uncertain significance for Inborn genetic diseases. Last evaluated: 2025-08-21. Review status: criteria provided, single submitter. Criteria: Ambry Variant Classification Scheme 2023. Collection method: clinical testing. Allele origin: germline.

Labcorp Genetics (formerly Invitae), Labcorp
Classification: Uncertain significance. Last evaluated: 2024-12-09. Review status: criteria provided, single submitter. Criteria: Invitae Variant Classification Sherloc (09022015). Collection method: clinical testing. Allele origin: germline.
Comment: This sequence change replaces proline, which is neutral and non-polar, with alanine, which is neutral and non-polar, at codon 138 of the POGLUT1 protein (p.Pro138Ala). This variant is present in population databases (no rsID available, gnomAD 0.01%). This variant has not been reported in the literature in individuals affected with POGLUT1-related conditions. ClinVar contains an entry for this variant (Variation ID: 2080232). Invitae Evidence Modeling of protein sequence and biophysical properties (such as structural, functional, and spatial information, amino acid conservation, physicochemical variation, residue mobility, and thermodynamic stability) indicates that this missense variant is not expected to disrupt POGLUT1 protein function with a negative predictive value of 80%. In summary, the available evidence is currently insufficient to determine the role of this variant in disease. Therefore, it has been classified as a Variant of Uncertain Significance.

NM_152305.3(POGLUT1):c.412C>G (p.Pro138Ala)

Gene: POGLUT1 (protein O-glucosyltransferase 1; plus strand). Cytogenetic location: 3q13.33.
Variant type: single nucleotide variant.
Coding change: c.412C>G on transcript NM_152305.3 (MANE Select); coding-DNA position 412, C replaced by G.
Protein change: p.Pro138Ala; replaces proline 138 with alanine.
Molecular consequence: missense variant. On other transcripts: non-coding transcript variant (1).
Genome position (GRCh38, 1-based): chr3:119,477,404, C>G. VCF-style: chr3-119477404-C-G. GRCh37 (hg19) VCF-style: chr3-119196251-C-G.
Other names: c.412C>G, p.Pro138Ala (NM_020231.3); c.412C>G (NM_152305.2); short protein forms P138A.
Identifiers: ClinVar variation 2080232 (VCV002080232.5), dbSNP rs1176836370, ClinGen allele CA354040666.